The following is an entry in ClinVar:

ClinVar aggregate classification (germline): Conflicting classifications of pathogenicity. Review status: criteria provided, conflicting classifications (1 of 4 stars). 3 submissions from 3 submitters: Uncertain significance (1); Likely benign (2). Last evaluated 2025-07-30.

Conditions:
Exercise-induced hyperinsulinism (HHF7). Identifiers: Orphanet 165991, MedGen C1864902, MONDO:0012396, OMIM 610021.

Allele frequency attached by ClinVar (database versions not stated): ExAC 0.00034; TOPMed 0.00045; ESP Exome Variant Server 0.00069; 1000 Genomes Project 0.00120; 1000 Genomes Project 30x 0.00125.
gnomAD v4.1: 248 of 1,605,684 alleles (0.015%); highest among the groups gnomAD compares: African/African-American, 0.13%; no homozygotes.

Submissions (3):

Labcorp Genetics (formerly Invitae), Labcorp
Classification: Likely benign. Last evaluated: 2025-07-30. Review status: criteria provided, single submitter. Criteria: Invitae Variant Classification Sherloc (09022015). Collection method: clinical testing. Allele origin: germline.

CeGaT Center for Human Genetics Tuebingen
Classification: Likely benign. Last evaluated: 2023-09-01. Review status: criteria provided, single submitter. Criteria: CeGaT Center For Human Genetics Tuebingen Variant Classification Criteria Version 2. Collection method: clinical testing. Allele origin: germline. Affected: yes. Observed: 1 variant allele.
Comment: SLC16A1: BP4, BP7

Illumina Laboratory Services, Illumina
Classification: Uncertain significance for Exercise-induced hyperinsulinism. Last evaluated: 2018-01-13. Review status: criteria provided, single submitter. Criteria: ICSL Variant Classification Criteria 13 December 2019. Collection method: clinical testing. Allele origin: germline.

NM_003051.4(SLC16A1):c.489C>A (p.Pro163=)

Gene: SLC16A1 (solute carrier family 16 member 1; minus strand). Cytogenetic location: 1p13.2.
Variant type: single nucleotide variant.
Coding change: c.489C>A on transcript NM_003051.4 (MANE Select); coding-DNA position 489, C replaced by A.
Protein change: p.Pro163=; no amino-acid change (proline 163 retained).
Molecular consequence: synonymous variant.
Genome position (GRCh38, 1-based): chr1:112,917,917, G>T on the plus strand (C>A on the coding strand, the complement: SLC16A1 is on the minus strand). VCF-style: chr1-112917917-G-T. GRCh37 (hg19) VCF-style: chr1-113460539-G-T.
Other names: c.489C>A, p.Pro163= (NM_001166496.2).
Identifiers: ClinVar variation 291867 (VCV000291867.33), dbSNP rs145916504, ClinGen allele CA1011418.